The following is an entry in ClinVar:

NM_017617.5(NOTCH1):c.5023A>G (p.Ile1675Val)

Gene: NOTCH1 (notch receptor 1; minus strand). Cytogenetic location: 9q34.3.
Variant type: single nucleotide variant.
Coding change: c.5023A>G on transcript NM_017617.5 (MANE Select); coding-DNA position 5023, A replaced by G.
Protein change: p.Ile1675Val; replaces isoleucine 1675 with valine.
Molecular consequence: missense variant.
Genome position (GRCh38, 1-based): chr9:136,503,326, T>C on the plus strand (A>G on the coding strand, the complement: NOTCH1 is on the minus strand). VCF-style: chr9-136503326-T-C. GRCh37 (hg19) VCF-style: chr9-139397778-T-C.
Other names: c.5023A>G, p.Ile1675Val (LRG_1122t1); short protein forms I1675V.
Identifiers: ClinVar variation 409049 (VCV000409049.13), dbSNP rs375408767, ClinGen allele CA5340453.
Genomic context (GRCh38, chr9:136,503,326, plus strand): 5'-TCTGGAAGCACTGCGAGGAGGCCTGCACACACTGCCGGTTGTCAATCTCCAGGTAGACGA[T>C]GGAGCTGGGCGGACAATCAGAGAGGGGCTGGGACCCGAGGCTTCCTCCTCCCCCGCCCAC-3'
Protein context (NP_060087.3, residues 1665-1685): ELDPMDVRGS[Ile1675Val]VYLEIDNRQC

ClinVar aggregate classification (germline): Uncertain significance. Review status: criteria provided, multiple submitters, no conflicts (2 of 4 stars). 5 submissions from 4 submitters: Uncertain significance (5). Last evaluated 2025-11-24.

Conditions:
Adams-Oliver syndrome 5 (AOS5). Identifiers: Orphanet 974, MedGen C4014970, MONDO:0014459, OMIM 616028.
Familial thoracic aortic aneurysm and aortic dissection (TAAD). Also called: Thoracic aortic aneurysms and dissections. Identifiers: Orphanet 91387, MedGen C4707243, MONDO:0019625.
Aortic valve disease 1 (AOVD1). Identifiers: MedGen C3887892, MONDO:0024523, OMIM 109730.

Allele frequency attached by ClinVar (database versions not stated): gnomAD exomes 0.00002; ExAC 0.00003; ESP Exome Variant Server 0.00008.
gnomAD v4.1: 16 of 1,612,720 alleles (0.00099%); highest among the groups gnomAD compares: Non-Finnish European, 0.0013%; no homozygotes.

Submissions (5):

Labcorp Genetics (formerly Invitae), Labcorp
Classification: Uncertain significance for Adams-Oliver syndrome 5. Last evaluated: 2025-11-24. Review status: criteria provided, single submitter. Criteria: Invitae Variant Classification Sherloc (09022015). Collection method: clinical testing. Allele origin: germline.
Comment: This sequence change replaces isoleucine, which is neutral and non-polar, with valine, which is neutral and non-polar, at codon 1675 of the NOTCH1 protein (p.Ile1675Val). This variant is present in population databases (rs375408767, gnomAD 0.005%). This variant has not been reported in the literature in individuals affected with NOTCH1-related conditions. ClinVar contains an entry for this variant (Variation ID: 409049). Invitae Evidence Modeling of protein sequence and biophysical properties (such as structural, functional, and spatial information, amino acid conservation, physicochemical variation, residue mobility, and thermodynamic stability) indicates that this missense variant is not expected to disrupt NOTCH1 protein function with a negative predictive value of 80%. In summary, the available evidence is currently insufficient to determine the role of this variant in disease. Therefore, it has been classified as a Variant of Uncertain Significance.

Genome-Nilou Lab
Classification: Uncertain significance for Adams-Oliver syndrome 5. Last evaluated: 2022-03-15. Review status: criteria provided, single submitter. Criteria: ACMG Guidelines, 2015. Collection method: clinical testing. Allele origin: germline. Affected: no.

Genome-Nilou Lab
Classification: Uncertain significance for Aortic valve disease 1. Last evaluated: 2022-03-15. Review status: criteria provided, single submitter. Criteria: ACMG Guidelines, 2015. Collection method: clinical testing. Allele origin: germline. Affected: no.

Ambry Genetics
Classification: Uncertain significance for Familial thoracic aortic aneurysm and aortic dissection. Last evaluated: 2022-01-12. Review status: criteria provided, single submitter. Criteria: Ambry Variant Classification Scheme 2023. Collection method: clinical testing. Allele origin: germline.
Comment: The p.I1675V variant (also known as c.5023A>G), located in coding exon 27 of the NOTCH1 gene, results from an A to G substitution at nucleotide position 5023. The isoleucine at codon 1675 is replaced by valine, an amino acid with highly similar properties. This amino acid position is conserved. In addition, this alteration is predicted to be tolerated by in silico analysis. Since supporting evidence is limited at this time, the clinical significance of this alteration remains unclear.

GeneDx
Classification: Uncertain significance. Last evaluated: 2020-12-10. Review status: criteria provided, single submitter. Criteria: GeneDx Variant Classification Process June 2021. Collection method: clinical testing. Allele origin: germline. Affected: yes.
Comment: Has not been previously published as pathogenic or benign to our knowledge; Not observed at a significant frequency in large population cohorts (Lek et al., 2016); In silico analysis supports that this missense variant does not alter protein structure/function